The following is an entry in ClinVar:

NM_006363.6(SEC23B):c.1816A>C (p.Arg606=)

Gene: SEC23B (SEC23 homolog B, COPII component; plus strand). Cytogenetic location: 20p11.23.
Variant type: single nucleotide variant.
Coding change: c.1816A>C on transcript NM_006363.6 (MANE Select); coding-DNA position 1816, A replaced by C.
Protein change: p.Arg606=; no amino-acid change (arginine 606 retained).
Molecular consequence: synonymous variant.
Genome position (GRCh38, 1-based): chr20:18,548,681, A>C. VCF-style: chr20-18548681-A-C. GRCh37 (hg19) VCF-style: chr20-18529325-A-C.
Other names: c.1816A>C (NM_006363.4); c.1816A>C, p.Arg606= (NM_001172745.3, NM_032985.6, NM_032986.5); c.1762A>C, p.Arg588= (NM_001172746.3).
Identifiers: ClinVar variation 2927208 (VCV002927208.5), dbSNP rs918782413, ClinGen allele CA312410640.
Genomic context (GRCh38, chr20:18,548,681, plus strand): 5'-CTGAGAAGATCTCCATTTCTTCAAGTGTTTAACAACAGTCCTGATGAGTCGTCATATTAC[A>C]GACATCATTTTGCCCGGCAGGACCTGACCCAGTCCCTCATCATGATCCAGCCCATTCTCT-3'
Protein context (NP_006354.2, residues 596-616): NNSPDESSYY[Arg606=]HHFARQDLTQ

ClinVar aggregate classification (germline): Likely benign. Review status: criteria provided, single submitter (1 of 4 stars). 2 submissions from 2 submitters: Likely benign (1). 1 of the submissions does not count toward it. Last evaluated 2024-04-05.

Conditions:
SEC23B-related disorder. Also called: SEC23B-related disorders; SEC23B-related condition.
Congenital dyserythropoietic anemia, type II (CDAN2). Also called: DYSERYTHROPOIETIC ANEMIA, HEMPAS TYPE. Identifiers: Orphanet 98873, MedGen C1306589, MONDO:0009134, OMIM 224100.
Cowden syndrome 7 (CWS7). Identifiers: Orphanet 201, MedGen C4225179, MONDO:0014802, OMIM 616858.

Allele frequency attached by ClinVar (database versions not stated): gnomAD exomes below 0.00001; gnomAD 0.00001; TOPMed 0.00004.
gnomAD v4.1: 4 of 1,614,010 alleles (0.00025%); highest among the groups gnomAD compares: Admixed American, 0.005%; no homozygotes.

Submissions (2):

Labcorp Genetics (formerly Invitae), Labcorp
Classification: Likely benign for Congenital dyserythropoietic anemia, type II; Cowden syndrome 7. Last evaluated: 2024-04-05. Review status: criteria provided, single submitter. Criteria: Invitae Variant Classification Sherloc (09022015). Collection method: clinical testing. Allele origin: germline.

PreventionGenetics, part of Exact Sciences
Classification: Likely benign for SEC23B-related condition. Last evaluated: 2019-05-08. Review status: no assertion criteria provided. Collection method: clinical testing. Allele origin: germline. Not counted in ClinVar's aggregate classification.
Comment: This variant is classified as likely benign based on ACMG/AMP sequence variant interpretation guidelines (Richards et al. 2015 PMID: 25741868, with internal and published modifications).